The following is an entry in ClinVar:

NM_203447.4(DOCK8):c.2800C>G (p.Arg934Gly)

Gene: DOCK8 (dedicator of cytokinesis 8; plus strand). Cytogenetic location: 9p24.3.
Variant type: single nucleotide variant.
Coding change: c.2800C>G on transcript NM_203447.4 (MANE Select); coding-DNA position 2800, C replaced by G.
Protein change: p.Arg934Gly; replaces arginine 934 with glycine.
Molecular consequence: missense variant. On other transcripts: intron variant (1).
Genome position (GRCh38, 1-based): chr9:386,352, C>G. VCF-style: chr9-386352-C-G. GRCh37 (hg19) VCF-style: chr9-386352-C-G.
Other names: c.2596C>G, p.Arg866Gly (NM_001193536.2); c.2574+3667C>G (NM_001190458.2); short protein forms R866G, R934G.
Identifiers: ClinVar variation 2743848 (VCV002743848.3), dbSNP rs1243539520, ClinGen allele CA372765530.
Genomic context (GRCh38, chr9:386,352, plus strand): 5'-TGGTTGGTTGACTGTTAAGCCATGGTTTGTGTATTTTAGATCGCCGATCGCAACTGCAGC[C>G]GAATGTCTTACTATTGCTCTGGCAGTAGTGATGCTCCAAGTTCACCTGCAGCCCCAAGGC-3'
Protein context (NP_982272.2, residues 924-944): SSKIADRNCS[Arg934Gly]MSYYCSGSSD

ClinVar aggregate classification (germline): Uncertain significance (1 of 4 stars; one submission).

Conditions:
Combined immunodeficiency due to DOCK8 deficiency (HIES2). Also called: HYPER-IgE SYNDROME 2, AUTOSOMAL RECESSIVE, WITH RECURRENT INFECTIONS; HIES autosomal recessive; Hyper-IgE recurrent infection syndrome, autosomal recessive; HYPER-IgE RECURRENT INFECTION SYNDROME 2, AUTOSOMAL RECESSIVE; DOCK8 Deficiency. Identifiers: Orphanet 217390, MedGen C4722305, MONDO:0009478, OMIM 243700.

gnomAD v4.1: 6 of 1,613,822 alleles (0.00037%); highest among the groups gnomAD compares: Middle Eastern, 0.017%; no homozygotes.

Submission:

Labcorp Genetics (formerly Invitae), Labcorp
Classification: Uncertain significance for Combined immunodeficiency due to DOCK8 deficiency. Last evaluated: 2023-07-16. Review status: criteria provided, single submitter. Criteria: Invitae Variant Classification Sherloc (09022015). Collection method: clinical testing. Allele origin: germline.
Comment: This sequence change replaces arginine, which is basic and polar, with glycine, which is neutral and non-polar, at codon 934 of the DOCK8 protein (p.Arg934Gly). In summary, the available evidence is currently insufficient to determine the role of this variant in disease. Therefore, it has been classified as a Variant of Uncertain Significance. An algorithm developed to predict the effect of missense changes on protein structure and function (PolyPhen-2) suggests that this variant is likely to be disruptive. This variant has not been reported in the literature in individuals affected with DOCK8-related conditions. This variant is present in population databases (no rsID available, gnomAD 0.0009%).